The following is an entry in ClinVar:

ClinVar aggregate classification (germline): Uncertain significance (1 of 4 stars; one submission).

Submission:

GeneDx
Classification: Uncertain significance. Last evaluated: 2022-05-26. Review status: criteria provided, single submitter. Criteria: GeneDx Variant Classification Process June 2021. Collection method: clinical testing. Allele origin: germline. Affected: yes.
Comment: Has not been previously published as pathogenic or benign to our knowledge; Not observed at significant frequency in large population cohorts (gnomAD); In silico analysis supports that this variant does not alter splicing

NM_004484.4(GPC3):c.133C>T (p.Leu45=)

Gene: GPC3 (glypican 3; minus strand). Cytogenetic location: Xq26.2.
Variant type: single nucleotide variant.
Coding change: c.133C>T on transcript NM_004484.4 (MANE Select); coding-DNA position 133, C replaced by T.
Protein change: p.Leu45=; no amino-acid change (leucine 45 retained).
Molecular consequence: synonymous variant.
Genome position (GRCh38, 1-based): chrX:133,985,317, G>A on the plus strand (C>T on the coding strand, the complement: GPC3 is on the minus strand). VCF-style: chrX-133985317-G-A. GRCh37 (hg19) VCF-style: chrX-133119344-G-A.
Other names: c.133C>T, p.Leu45= (NM_001164617.2, NM_001164618.2, NM_001164619.2).
Identifiers: ClinVar variation 1801070 (VCV001801070.1), dbSNP rs2521971007, ClinGen allele CA518636368.